The following is an entry in ClinVar:

NM_001039672.3(YIF1B):c.228G>A (p.Pro76=)

Gene: YIF1B (Yip1 interacting factor homolog B, membrane trafficking protein; minus strand). Cytogenetic location: 19q13.2.
Variant type: single nucleotide variant.
Coding change: c.228G>A on transcript NM_001039672.3 (MANE Select); coding-DNA position 228, G replaced by A.
Protein change: p.Pro76=; no amino-acid change (proline 76 retained).
Molecular consequence: synonymous variant.
Genome position (GRCh38, 1-based): chr19:38,309,474, C>T on the plus strand (G>A on the coding strand, the complement: YIF1B is on the minus strand). VCF-style: chr19-38309474-C-T. GRCh37 (hg19) VCF-style: chr19-38800114-C-T.
Other names: c.183G>A, p.Pro61= (NM_001039671.3); c.219G>A, p.Pro73= (NM_001039673.3, NM_001145463.2); c.177G>A, p.Pro59= (NM_001145461.2); c.135G>A, p.Pro45= (NM_001145462.2).
Identifiers: ClinVar variation 2649788 (VCV002649788.24), dbSNP rs149031198, ClinGen allele CA9412109.

ClinVar aggregate classification (germline): Likely benign (1 of 4 stars; one submission).

Allele frequency attached by ClinVar (database versions not stated): ExAC 0.00005; gnomAD 0.00013; TOPMed 0.00018; ESP Exome Variant Server 0.00038.
gnomAD v4.1: 91 of 1,613,852 alleles (0.0056%); highest among the groups gnomAD compares: African/African-American, 0.02%; no homozygotes.

Submission:

CeGaT Center for Human Genetics Tuebingen
Classification: Likely benign. Last evaluated: 2023-06-01. Review status: criteria provided, single submitter. Criteria: CeGaT Center For Human Genetics Tuebingen Variant Classification Criteria Version 2. Collection method: clinical testing. Allele origin: germline. Affected: yes. Observed: 3 variant alleles.
Comment: YIF1B: BP4, BP7